The following is an entry in ClinVar:

ClinVar aggregate classification (germline): Benign. Review status: criteria provided, single submitter (1 of 4 stars). 2 submissions from 2 submitters: Benign (1). 1 of the submissions does not count toward it. Last evaluated 2026-02-01.

Conditions:
POP1-related disorder. Also called: POP1-related condition.

Allele frequency attached by ClinVar (database versions not stated): 1000 Genomes Project 30x 0.00515; 1000 Genomes Project 0.00539; ESP Exome Variant Server 0.00069; gnomAD exomes 0.00132 and 0.00430; gnomAD 0.00186 and 0.00200; TOPMed 0.00308; ExAC 0.00359.
gnomAD v4.1: 2,239 of 1,613,934 alleles (0.14%); highest among the groups gnomAD compares: Admixed American, 2.1%; 29 homozygotes.

Submissions (2):

Labcorp Genetics (formerly Invitae), Labcorp
Classification: Benign. Last evaluated: 2026-02-01. Review status: criteria provided, single submitter. Criteria: Invitae Variant Classification Sherloc (09022015). Collection method: clinical testing. Allele origin: germline.

PreventionGenetics, part of Exact Sciences
Classification: Benign for POP1-related condition. Last evaluated: 2019-10-29. Review status: no assertion criteria provided. Collection method: clinical testing. Allele origin: germline. Not counted in ClinVar's aggregate classification.
Comment: This variant is classified as benign based on ACMG/AMP sequence variant interpretation guidelines (Richards et al. 2015 PMID: 25741868, with internal and published modifications).

NM_001145860.2(POP1):c.1379A>C (p.Glu460Ala)

Gene: POP1 (POP1 ribonuclease P/MRP subunit; plus strand). Cytogenetic location: 8q22.2.
Variant type: single nucleotide variant.
Coding change: c.1379A>C on transcript NM_001145860.2 (MANE Select); coding-DNA position 1379, A replaced by C.
Protein change: p.Glu460Ala; replaces glutamic acid 460 with alanine.
Molecular consequence: missense variant.
Genome position (GRCh38, 1-based): chr8:98,140,094, A>C. VCF-style: chr8-98140094-A-C. GRCh37 (hg19) VCF-style: chr8-99152322-A-C.
Other names: c.1379A>C, p.Glu460Ala (NM_001145861.2, NM_015029.3); short protein forms E460A.
Identifiers: ClinVar variation 788700 (VCV000788700.12), dbSNP rs2306131, ClinGen allele CA4820564.